The following is an entry in ClinVar:

ClinVar aggregate classification (germline): Uncertain significance (1 of 4 stars; one submission).

Allele frequency attached by ClinVar (database versions not stated): gnomAD exomes below 0.00001; gnomAD 0.00001; TOPMed 0.00001; ExAC 0.00002.

Submission:

Labcorp Genetics (formerly Invitae), Labcorp
Classification: Uncertain significance. Last evaluated: 2022-03-04. Review status: criteria provided, single submitter. Criteria: Invitae Variant Classification Sherloc (09022015). Collection method: clinical testing. Allele origin: germline.
Comment: This sequence change replaces isoleucine, which is neutral and non-polar, with threonine, which is neutral and polar, at codon 160 of the CLCC1 protein (p.Ile160Thr). This variant is present in population databases (rs780647788, gnomAD 0.007%). This variant has not been reported in the literature in individuals affected with CLCC1-related conditions. Algorithms developed to predict the effect of missense changes on protein structure and function are either unavailable or do not agree on the potential impact of this missense change (SIFT: "Tolerated"; PolyPhen-2: "Possibly Damaging"; Align-GVGD: "Class C0"). Algorithms developed to predict the effect of sequence changes on RNA splicing suggest that this variant may disrupt the consensus splice site. In summary, the available evidence is currently insufficient to determine the role of this variant in disease. Therefore, it has been classified as a Variant of Uncertain Significance.

NM_001377458.1(CLCC1):c.479T>C (p.Ile160Thr)

Gene: CLCC1 (chloride channel CLIC like 1; minus strand). Cytogenetic location: 1p13.3.
Variant type: single nucleotide variant.
Coding change: c.479T>C on transcript NM_001377458.1 (MANE Select); coding-DNA position 479, T replaced by C.
Protein change: p.Ile160Thr; replaces isoleucine 160 with threonine.
Molecular consequence: missense variant. On other transcripts: non-coding transcript variant (1), intron variant (3).
Genome position (GRCh38, 1-based): chr1:108,943,918, A>G on the plus strand (T>C on the coding strand, the complement: CLCC1 is on the minus strand). VCF-style: chr1-108943918-A-G. GRCh37 (hg19) VCF-style: chr1-109486540-A-G.
Other names: c.479T>C, p.Ile160Thr (NM_001048210.3, NM_001377459.1, NM_001377460.1 and 8 more transcripts); c.377T>C, p.Ile126Thr (NM_001377469.1); c.188T>C, p.Ile63Thr (NM_001377470.1); c.340-11T>C (NM_015127.5); c.340-2420T>C (NM_001278202.2); c.339+3693T>C (NM_001278203.1); short protein forms I160T, I63T, I126T.
Identifiers: ClinVar variation 1916180 (VCV001916180.4), dbSNP rs780647788, ClinGen allele CA983588.